The following is an entry in ClinVar:

NM_020810.3(TRMT5):c.-81G>C

Genes: TRMT5 (tRNA methyltransferase 5; minus strand), LOC130055775 (ATAC-STARR-seq lymphoblastoid active region 8484; plus strand). Cytogenetic location: 14q23.1.
Variant type: single nucleotide variant.
Coding change: c.-81G>C on transcript NM_020810.3 (MANE Select); 81 bases upstream of the start codon, G replaced by C.
Molecular consequence: 5 prime UTR variant. On other transcripts: missense variant (1).
Genome position (GRCh38, 1-based): chr14:60,981,054, C>G on the plus strand (G>C on the coding strand, the complement: TRMT5 is on the minus strand). VCF-style: chr14-60981054-C-G. GRCh37 (hg19) VCF-style: chr14-61447772-C-G.
Other names: c.65G>C, p.Arg22Pro (NM_001350253.1); c.-119G>C (NM_001350254.1); short protein forms R22P.
Identifiers: ClinVar variation 4981898 (VCV004981898.1).

ClinVar aggregate classification (germline): Likely benign (1 of 4 stars; one submission).

Conditions:
TRMT5-related disorder. Also called: TRMT5-related condition.

Submission:

PreventionGenetics, part of Exact Sciences
Classification: Likely benign for TRMT5-related condition. Last evaluated: 2024-12-17. Review status: criteria provided, single submitter. Criteria: ACMG Guidelines, 2015. Collection method: clinical testing. Allele origin: germline.
Comment: This variant is classified as likely benign based on ACMG/AMP sequence variant interpretation guidelines (Richards et al. 2015 PMID: 25741868, with internal and published modifications).